The following is an entry in ClinVar:

ClinVar aggregate classification (germline): Benign (1 of 4 stars; one submission).

Allele frequency attached by ClinVar (database versions not stated): 1000 Genomes Project 0.02376; 1000 Genomes Project 30x 0.02389; TOPMed 0.03710; gnomAD 0.03809 and 0.03916.
gnomAD v4.1: 5,926 of 152,074 alleles (3.9%); highest among the groups gnomAD compares: Middle Eastern, 6.8%; 165 homozygotes.

Submission:

GeneDx
Classification: Benign. Last evaluated: 2018-06-14. Review status: criteria provided, single submitter. Criteria: GeneDx Variant Classification (06012015). Collection method: clinical testing. Allele origin: germline. Affected: yes.
Comment: This variant is considered likely benign or benign based on one or more of the following criteria: it is a conservative change, it occurs at a poorly conserved position in the protein, it is predicted to be benign by multiple in silico algorithms, and/or has population frequency not consistent with disease.

NM_000702.4(ATP1A2):c.3035-272C>T

Gene: ATP1A2 (ATPase Na+/K+ transporting subunit alpha 2; plus strand). Cytogenetic location: 1q23.2.
Variant type: single nucleotide variant.
Coding change: c.3035-272C>T on transcript NM_000702.4 (MANE Select); 272 bases into the intron before coding-DNA position 3035, C replaced by T.
Molecular consequence: intron variant.
Genome position (GRCh38, 1-based): chr1:160,141,022, C>T. VCF-style: chr1-160141022-C-T. GRCh37 (hg19) VCF-style: chr1-160110812-C-T.
Identifiers: ClinVar variation 671340 (VCV000671340.1), dbSNP rs113857348, ClinGen allele CA31506958.